The following is an entry in ClinVar:

NM_001458.5(FLNC):c.7562-1G>A

Genes: FLNC (filamin C; plus strand), FLNC-AS1 (FLNC antisense RNA 1; minus strand). Cytogenetic location: 7q32.1.
Variant type: single nucleotide variant.
Coding change: c.7562-1G>A on transcript NM_001458.5 (MANE Select); the canonical splice acceptor site of the intron before coding-DNA position 7562, G replaced by A.
Molecular consequence: splice acceptor variant.
Genome position (GRCh38, 1-based): chr7:128,857,117, G>A. VCF-style: chr7-128857117-G-A. GRCh37 (hg19) VCF-style: chr7-128497171-G-A.
Other names: c.7463-1G>A (NM_001127487.2).
Identifiers: ClinVar variation 1067738 (VCV001067738.7), dbSNP rs2128940335, ClinGen allele CA369219121.

ClinVar aggregate classification (germline): Likely pathogenic (1 of 4 stars; one submission).

Conditions:
Myofibrillar myopathy 5. Also called: Filaminopathy (type); FILAMINOPATHY, AUTOSOMAL DOMINANT. Identifiers: Orphanet 171445, MedGen C1836050, MONDO:0012289, OMIM 609524.
Distal myopathy with posterior leg and anterior hand involvement. Also called: WILLIAMS DISTAL MYOPATHY. Identifiers: Orphanet 63273, MedGen C3279722, MONDO:0013550, OMIM 614065.
Hypertrophic cardiomyopathy 26. Also called: Cardiomyopathy, familial hypertrophic, 26. Identifiers: Orphanet 75249, MedGen C4310749, MONDO:0014883, OMIM 617047.

Submission:

Labcorp Genetics (formerly Invitae), Labcorp
Classification: Likely pathogenic for Distal myopathy with posterior leg and anterior hand involvement; Myofibrillar myopathy 5; Hypertrophic cardiomyopathy 26. Last evaluated: 2025-04-11. Review status: criteria provided, single submitter. Criteria: Invitae Variant Classification Sherloc (09022015). Collection method: clinical testing. Allele origin: germline.
Comment: This sequence change affects an acceptor splice site in intron 45 of the FLNC gene. It is expected to disrupt RNA splicing. Variants that disrupt the donor or acceptor splice site typically lead to a loss of protein function (PMID: 16199547), and loss-of-function variants in FLNC are known to be pathogenic (PMID: 27908349). This variant is not present in population databases (gnomAD no frequency). This variant has not been reported in the literature in individuals affected with FLNC-related conditions. ClinVar contains an entry for this variant (Variation ID: 1067738). Algorithms developed to predict the effect of sequence changes on RNA splicing suggest that this variant may disrupt the consensus splice site. In summary, the currently available evidence indicates that the variant is pathogenic, but additional data are needed to prove that conclusively. Therefore, this variant has been classified as Likely Pathogenic.

Literature cited by the submitters: PubMed 16199547; PubMed 27908349.